The following is an entry in ClinVar:

NM_000038.6(APC):c.5928C>T (p.Asp1976=)

Gene: APC (APC regulator of Wnt signaling pathway; plus strand). Cytogenetic location: 5q22.2.
Variant type: single nucleotide variant.
Coding change: c.5928C>T on transcript NM_000038.6 (MANE Select); coding-DNA position 5928, C replaced by T.
Protein change: p.Asp1976=; no amino-acid change (aspartic acid 1976 retained).
Molecular consequence: synonymous variant.
Genome position (GRCh38, 1-based): chr5:112,841,522, C>T. VCF-style: chr5-112841522-C-T. GRCh37 (hg19) VCF-style: chr5-112177219-C-T.
Other names: c.5928C>T, p.Asp1976= (NM_001127510.3, NM_001354895.2); c.5874C>T, p.Asp1958= (NM_001127511.3); c.5982C>T, p.Asp1994= (NM_001354896.2); c.5958C>T, p.Asp1986= (NM_001354897.2); c.5853C>T, p.Asp1951= (NM_001354898.2); c.5844C>T, p.Asp1948= (NM_001354899.2); c.5805C>T, p.Asp1935= (NM_001354900.2); c.5751C>T, p.Asp1917= (NM_001354901.2); and 6 more.
Identifiers: ClinVar variation 1543787 (VCV001543787.10), dbSNP rs1272676665, ClinGen allele CA446210029.

ClinVar aggregate classification (germline): Benign/Likely benign. Review status: criteria provided, multiple submitters, no conflicts (2 of 4 stars). 3 submissions from 3 submitters: Benign (1); Likely benign (2). Last evaluated 2026-03-28.

Conditions:
Hereditary cancer-predisposing syndrome. Also called: Hereditary Cancer Syndrome; Neoplastic Syndromes, Hereditary; Hereditary neoplastic syndrome; Tumor predisposition. Identifiers: Orphanet 140162, MedGen C0027672, MeSH D009386, MONDO:0015356.
Familial adenomatous polyposis 1 (FAP1). Also called: FAMILIAL ADENOMATOUS POLYPOSIS 1, ATTENUATED; POLYPOSIS, ADENOMATOUS INTESTINAL. Identifiers: MedGen C2713442, MONDO:0021056, OMIM 175100. Disease mechanism: loss of function.

Allele frequency attached by ClinVar (database versions not stated): gnomAD exomes below 0.00001.
gnomAD v4.1: 1 of 1,613,804 alleles (0.000062%); highest among the groups gnomAD compares: East Asian, 0.0022%; no homozygotes.

Submissions (3):

Ambry Genetics
Classification: Likely benign for Hereditary cancer-predisposing syndrome. Last evaluated: 2026-03-28. Review status: criteria provided, single submitter. Criteria: Ambry Variant Classification Scheme 2023. Collection method: clinical testing. Allele origin: germline.

Labcorp Genetics (formerly Invitae), Labcorp
Classification: Likely benign for Familial adenomatous polyposis 1. Last evaluated: 2025-11-05. Review status: criteria provided, single submitter. Criteria: Invitae Variant Classification Sherloc (09022015). Collection method: clinical testing. Allele origin: germline.

Myriad Genetics, Inc.
Classification: Benign for Familial adenomatous polyposis 1. Last evaluated: 2024-04-03. Review status: criteria provided, single submitter. Criteria: Myriad Autosomal Dominant, Autosomal Recessive and X-Linked Classification Criteria (2023). Collection method: clinical testing. Allele origin: unknown.
Comment: This variant is considered benign. This variant is a silent/synonymous amino acid change and it is not expected to impact splicing.